The following is an entry in ClinVar:

ClinVar aggregate classification (germline): Likely pathogenic (1 of 4 stars; one submission).

Conditions:
Cohen syndrome (COH1). Also called: PEPPER SYNDROME; Cutis verticis gyrata, retinitis pigmentosa, and sensorineural deafness. Identifiers: Orphanet 193, MedGen C0265223, MONDO:0008999, OMIM 216550.

Submission:

Myriad Genetics, Inc.
Classification: Likely pathogenic for Cohen syndrome. Last evaluated: 2022-01-02. Review status: criteria provided, single submitter. Criteria: Myriad Women's Health Autosomal Recessive and X-Linked Classification Criteria (2021). Collection method: clinical testing. Allele origin: unknown.
Comment: NM_017890.4(VPS13B):c.4520T>A(L1507*) is expected to be pathogenic in the context of Cohen syndrome. This variant is predicted to lead to an abnormal or absent protein product due to the creation of a premature termination codon in VPS13B, a gene where loss-of-function variants are known to be pathogenic. Please note: this variant was assessed in the context of healthy population screening.

NM_152564.5(VPS13B):c.4445T>A (p.Leu1482Ter)

Gene: VPS13B (vacuolar protein sorting 13 homolog B; plus strand). Cytogenetic location: 8q22.2.
Variant type: single nucleotide variant.
Coding change: c.4445T>A on transcript NM_152564.5 (MANE Select); coding-DNA position 4445, T replaced by A.
Protein change: p.Leu1482Ter; replaces leucine 1482 with a stop codon.
Molecular consequence: nonsense.
Genome position (GRCh38, 1-based): chr8:99,511,324, T>A. VCF-style: chr8-99511324-T-A. GRCh37 (hg19) VCF-style: chr8-100523552-T-A.
Other names: c.4520T>A, p.Leu1507Ter (NM_017890.5); short protein forms L1482*, L1507*.
Identifiers: ClinVar variation 1726499 (VCV001726499.2), dbSNP rs2490522077, ClinGen allele CA371871647.